The following is an entry in ClinVar:

NM_002109.6(HARS1):c.814C>T (p.Gln272Ter)

Gene: HARS1 (histidyl-tRNA synthetase 1; minus strand). Cytogenetic location: 5q31.3.
Variant type: single nucleotide variant.
Coding change: c.814C>T on transcript NM_002109.6 (MANE Select); coding-DNA position 814, C replaced by T.
Protein change: p.Gln272Ter; replaces glutamine 272 with a stop codon.
Molecular consequence: nonsense.
Genome position (GRCh38, 1-based): chr5:140,677,336, G>A on the plus strand (C>T on the coding strand, the complement: HARS1 is on the minus strand). VCF-style: chr5-140677336-G-A. GRCh37 (hg19) VCF-style: chr5-140056921-G-A.
Other names: c.694C>T, p.Gln232Ter (NM_001258040.3); c.754C>T, p.Gln252Ter (NM_001258041.3); c.634C>T, p.Gln212Ter (NM_001258042.3); c.592C>T, p.Gln198Ter (NM_001289092.2); c.472C>T, p.Gln158Ter (NM_001289093.2); c.727C>T, p.Gln243Ter (NM_001289094.2); short protein forms Q158*, Q198*, Q212*, Q232*, Q243*, Q252*, Q272*.
Identifiers: ClinVar variation 2655743 (VCV002655743.25), dbSNP rs1474277005, ClinGen allele CA361253634.

ClinVar aggregate classification (germline): Uncertain significance. Review status: criteria provided, multiple submitters, no conflicts (2 of 4 stars). 2 submissions from 2 submitters: Uncertain significance (2). Last evaluated 2022-03-01.

gnomAD v4.1: 2 of 1,610,050 alleles (0.00012%); highest among the groups gnomAD compares: Admixed American, 0.0017%; no homozygotes.

Submissions (2):

CeGaT Center for Human Genetics Tuebingen
Classification: Uncertain significance. Last evaluated: 2022-03-01. Review status: criteria provided, single submitter. Criteria: CeGaT Center For Human Genetics Tuebingen Variant Classification Criteria Version 2. Collection method: clinical testing. Allele origin: germline. Affected: yes. Observed: 1 variant allele.
Comment: HARS1: PVS1:Strong, PM2:Supporting

Blueprint Genetics
Classification: Uncertain significance. Last evaluated: 2019-10-08. Review status: criteria provided, single submitter. Criteria: ACMG Guidelines, 2015. Collection method: clinical testing. Allele origin: germline.